The following is an entry in ClinVar:

NM_001367624.2(ZNF469):c.586T>C (p.Tyr196His)

Gene: ZNF469 (zinc finger protein 469; plus strand). Cytogenetic location: 16q24.2.
Variant type: single nucleotide variant.
Coding change: c.586T>C on transcript NM_001367624.2 (MANE Select); coding-DNA position 586, T replaced by C.
Protein change: p.Tyr196His; replaces tyrosine 196 with histidine.
Molecular consequence: missense variant.
Genome position (GRCh38, 1-based): chr16:88,428,056, T>C. VCF-style: chr16-88428056-T-C. GRCh37 (hg19) VCF-style: chr16-88494464-T-C.
Other names: short protein forms Y196H.
Identifiers: ClinVar variation 3616296 (VCV003616296.2).

ClinVar aggregate classification (germline): Uncertain significance (1 of 4 stars; one submission).

gnomAD v4.1: 2 of 1,549,274 alleles (0.00013%); highest among the groups gnomAD compares: Non-Finnish European, 0.00017%; no homozygotes.

Submission:

Labcorp Genetics (formerly Invitae), Labcorp
Classification: Uncertain significance. Last evaluated: 2024-07-21. Review status: criteria provided, single submitter. Criteria: Invitae Variant Classification Sherloc (09022015). Collection method: clinical testing. Allele origin: germline.
Comment: This sequence change replaces tyrosine, which is neutral and polar, with histidine, which is basic and polar, at codon 196 of the ZNF469 protein (p.Tyr196His). The frequency data for this variant in the population databases is considered unreliable, as metrics indicate poor data quality at this position in the gnomAD database. This variant has not been reported in the literature in individuals affected with ZNF469-related conditions. An algorithm developed to predict the effect of missense changes on protein structure and function outputs the following: PolyPhen-2: "Benign". The histidine amino acid residue is found in multiple mammalian species, which suggests that this missense change does not adversely affect protein function. In summary, the available evidence is currently insufficient to determine the role of this variant in disease. Therefore, it has been classified as a Variant of Uncertain Significance.